The following is an entry in ClinVar:

ClinVar aggregate classification (germline): Conflicting classifications of pathogenicity. Review status: criteria provided, conflicting classifications (1 of 4 stars). 3 submissions from 3 submitters: Uncertain significance (2); Likely benign (1). Last evaluated 2025-11-22.

Conditions:
Cardiovascular phenotype. Identifiers: MedGen CN230736.
Lethal congenital glycogen storage disease of heart. Also called: PHOSPHORYLASE KINASE DEFICIENCY OF HEART; GLYCOGEN STORAGE DISEASE OF HEART. Identifiers: Orphanet 439854, MedGen C1849813, MONDO:0009867, OMIM 261740.
Cardiomyopathy (CMYO). Also called: Cardiomyopathies. Identifiers: Orphanet 167848, MedGen C0878544, MONDO:0004994, HP:0001638. Inheritance: Various modes of inheritance.

Allele frequency attached by ClinVar (database versions not stated): gnomAD exomes below 0.00001; ExAC 0.00001; gnomAD 0.00001; TOPMed 0.00003; ESP Exome Variant Server 0.00008.
gnomAD v4.1: 10 of 1,613,930 alleles (0.00062%); highest among the groups gnomAD compares: African/African-American, 0.004%; no homozygotes.

Submissions (3):

Labcorp Genetics (formerly Invitae), Labcorp
Classification: Likely benign for Lethal congenital glycogen storage disease of heart. Last evaluated: 2025-11-22. Review status: criteria provided, single submitter. Criteria: Invitae Variant Classification Sherloc (09022015). Collection method: clinical testing. Allele origin: germline.

Color Diagnostics, LLC DBA Color Health
Classification: Uncertain significance for Cardiomyopathy. Last evaluated: 2025-05-12. Review status: criteria provided, single submitter. Criteria: ACMG Guidelines, 2015. Collection method: clinical testing. Allele origin: germline.
Comment: This missense variant replaces tyrosine with cysteine at codon 192 of the PRKAG2 protein. Computational prediction tool is inconclusive regarding the impact of this variant on protein structure and function. To our knowledge, functional studies have not been reported for this variant. This variant has not been reported in individuals affected with PRKAG2-related disorders in the literature. This variant has been identified in 3/282856 chromosomes in the general population by the Genome Aggregation Database (gnomAD). The available evidence is insufficient to determine the role of this variant in disease conclusively. Therefore, this variant is classified as a Variant of Uncertain Significance.

Ambry Genetics
Classification: Uncertain significance for Cardiovascular phenotype. Last evaluated: 2025-05-03. Review status: criteria provided, single submitter. Criteria: Ambry Variant Classification Scheme 2023. Collection method: clinical testing. Allele origin: germline.
Comment: The p.Y192C variant (also known as c.575A>G), located in coding exon 4 of the PRKAG2 gene, results from an A to G substitution at nucleotide position 575. The tyrosine at codon 192 is replaced by cysteine, an amino acid with highly dissimilar properties. This amino acid position is conserved. In addition, the in silico prediction for this alteration is inconclusive. Based on the available evidence, the clinical significance of this variant remains unclear.

NM_016203.4(PRKAG2):c.575A>G (p.Tyr192Cys)

Gene: PRKAG2 (protein kinase AMP-activated non-catalytic subunit gamma 2; minus strand). Cytogenetic location: 7q36.1.
Variant type: single nucleotide variant.
Coding change: c.575A>G on transcript NM_016203.4 (MANE Select); coding-DNA position 575, A replaced by G.
Protein change: p.Tyr192Cys; replaces tyrosine 192 with cysteine.
Molecular consequence: missense variant.
Genome position (GRCh38, 1-based): chr7:151,675,529, T>C on the plus strand (A>G on the coding strand, the complement: PRKAG2 is on the minus strand). VCF-style: chr7-151675529-T-C. GRCh37 (hg19) VCF-style: chr7-151372615-T-C.
Other names: c.575A>G (NM_016203.3); c.443A>G, p.Tyr148Cys (NM_001040633.2, NM_001407024.1, NM_001407026.1 and 1 more transcripts); c.203A>G, p.Tyr68Cys (NM_001304527.2, NM_001363698.2, NM_001407028.1 and 1 more transcripts); c.575A>G, p.Tyr192Cys (NM_001407021.1, NM_001407022.1, NM_001407023.1); c.257A>G, p.Tyr86Cys (NM_001407032.1); short protein forms Y68C, Y86C, Y148C, Y192C.
Identifiers: ClinVar variation 2195124 (VCV002195124.6), dbSNP rs146578426, ClinGen allele CA057552.
Genomic context (GRCh38, chr7:151,675,529, plus strand): 5'-GGGCTCTGGAAGGAAGACGGGCAGAACCTCTGCCCTGTGTCCGGGGGGGAAGACGAGGCA[T>C]AGATGCGATTCTCTAACCGTTCAGGCTCGTGCTTATAGGATTCCAGGGGAAACGTGTGCT-3'
Protein context (NP_057287.2, residues 182-202): HEPERLENRI[Tyr192Cys]ASSSPPDTGQ